The following is an entry in ClinVar:

NM_001277115.2(DNAH11):c.1142C>A (p.Pro381Gln)

Gene: DNAH11 (dynein axonemal heavy chain 11; plus strand). Cytogenetic location: 7p15.3.
Variant type: single nucleotide variant.
Coding change: c.1142C>A on transcript NM_001277115.2 (MANE Select); coding-DNA position 1142, C replaced by A.
Protein change: p.Pro381Gln; replaces proline 381 with glutamine.
Molecular consequence: missense variant.
Genome position (GRCh38, 1-based): chr7:21,564,345, C>A. VCF-style: chr7-21564345-C-A. GRCh37 (hg19) VCF-style: chr7-21603963-C-A.
Other names: c.1142C>A, p.Pro381Gln (NM_003777.3); short protein forms P381Q.
Identifiers: ClinVar variation 2161043 (VCV002161043.2), dbSNP rs1783581108, ClinGen allele CA366933962.

ClinVar aggregate classification (germline): Uncertain significance (1 of 4 stars; one submission).

Conditions:
Primary ciliary dyskinesia. Also called: Ciliary dyskinesia. Identifiers: Orphanet 244, MedGen C0008780, MONDO:0016575, HP:0012265.

Allele frequency attached by ClinVar (database versions not stated): gnomAD exomes 0.00001.
gnomAD v4.1: 4 of 1,613,502 alleles (0.00025%); highest among the groups gnomAD compares: Non-Finnish European, 0.00025%; no homozygotes.

Submission:

Labcorp Genetics (formerly Invitae), Labcorp
Classification: Uncertain significance for Primary ciliary dyskinesia. Last evaluated: 2025-12-08. Review status: criteria provided, single submitter. Criteria: Invitae Variant Classification Sherloc (09022015). Collection method: clinical testing. Allele origin: germline.
Comment: This sequence change replaces proline, which is neutral and non-polar, with glutamine, which is neutral and polar, at codon 381 of the DNAH11 protein (p.Pro381Gln). This variant is not present in population databases (gnomAD no frequency). This variant has not been reported in the literature in individuals affected with DNAH11-related conditions. ClinVar contains an entry for this variant (Variation ID: 2161043). Invitae Evidence Modeling of protein sequence and biophysical properties (such as structural, functional, and spatial information, amino acid conservation, physicochemical variation, residue mobility, and thermodynamic stability) indicates that this missense variant is not expected to disrupt DNAH11 protein function with a negative predictive value of 95%. In summary, the available evidence is currently insufficient to determine the role of this variant in disease. Therefore, it has been classified as a Variant of Uncertain Significance.